The following is an entry in ClinVar:

ClinVar aggregate classification (germline): Conflicting classifications of pathogenicity. Review status: criteria provided, conflicting classifications (1 of 4 stars). 5 submissions from 5 submitters: Uncertain significance (3); Likely benign (2). Last evaluated 2025-08-31.

Conditions:
Retinitis pigmentosa 11 (RP11). Identifiers: Orphanet 791, MedGen C1838601, MONDO:0010828, OMIM 600138.
PRPF31-related disorder. Also called: PRPF31-related condition.
Inborn genetic diseases. Identifiers: MedGen C0950123, MeSH D030342.

Allele frequency attached by ClinVar (database versions not stated): gnomAD 0.00003; gnomAD exomes 0.00004; ExAC 0.00005; TOPMed 0.00005; ESP Exome Variant Server 0.00008.
gnomAD v4.1: 69 of 1,608,818 alleles (0.0043%); highest among the groups gnomAD compares: Middle Eastern, 0.066%; no homozygotes.

Submissions (5):

Labcorp Genetics (formerly Invitae), Labcorp
Classification: Uncertain significance. Last evaluated: 2025-08-31. Review status: criteria provided, single submitter. Criteria: Invitae Variant Classification Sherloc (09022015). Collection method: clinical testing. Allele origin: germline.
Comment: This sequence change affects codon 176 of the PRPF31 mRNA. It is a 'silent' change, meaning that it does not change the encoded amino acid sequence of the PRPF31 protein. It affects a nucleotide within the consensus splice site. This variant is present in population databases (rs368977441, gnomAD 0.01%). This variant has been observed in individuals with clinical features of retinitis pigmentosa and/or Stargardt disease (PMID: 38927702; internal data). ClinVar contains an entry for this variant (Variation ID: 1462216). Algorithms developed to predict the effect of sequence changes on RNA splicing suggest that this variant is not likely to affect RNA splicing. In summary, the available evidence is currently insufficient to determine the role of this variant in disease. Therefore, it has been classified as a Variant of Uncertain Significance.

PreventionGenetics, part of Exact Sciences
Classification: Likely benign for PRPF31-related condition. Last evaluated: 2024-11-23. Review status: criteria provided, single submitter. Criteria: ACMG Guidelines, 2015. Collection method: clinical testing. Allele origin: germline.
Comment: This variant is classified as likely benign based on ACMG/AMP sequence variant interpretation guidelines (Richards et al. 2015 PMID: 25741868, with internal and published modifications).

Blueprint Genetics
Classification: Uncertain significance. Last evaluated: 2024-10-25. Review status: criteria provided, single submitter. Criteria: ACMG Guidelines, 2015. Collection method: clinical testing. Allele origin: germline.

Ambry Genetics
Classification: Likely benign for Inborn genetic diseases. Last evaluated: 2023-11-07. Review status: criteria provided, single submitter. Criteria: Ambry Variant Classification Scheme 2023. Collection method: clinical testing. Allele origin: germline.

Genetics and Molecular Pathology, SA Pathology
Classification: Uncertain significance for Retinitis pigmentosa 11. Last evaluated: 2021-12-31. Review status: criteria provided, single submitter. Criteria: ACMG Guidelines, 2015. Collection method: clinical testing. Allele origin: germline. Affected: yes.

Literature cited by the submitters: PubMed 38927702 (cited by Labcorp Genetics (formerly Invitae), Labcorp).

NM_015629.4(PRPF31):c.528G>A (p.Gly176=)

Gene: PRPF31 (pre-mRNA processing factor 31; plus strand). Cytogenetic location: 19q13.42.
Variant type: single nucleotide variant.
Coding change: c.528G>A on transcript NM_015629.4 (MANE Select); coding-DNA position 528, G replaced by A.
Protein change: p.Gly176=; no amino-acid change (glycine 176 retained).
Molecular consequence: synonymous variant.
Genome position (GRCh38, 1-based): chr19:54,123,749, G>A. VCF-style: chr19-54123749-G-A. GRCh37 (hg19) VCF-style: chr19-54627128-G-A.
Other names: c.528G>A (NM_015629.3).
Identifiers: ClinVar variation 1462216 (VCV001462216.12), dbSNP rs368977441, ClinGen allele CA309325061.